The following is an entry in ClinVar:

NM_000038.6(APC):c.4682A>G (p.Lys1561Arg)

Gene: APC (APC regulator of Wnt signaling pathway; plus strand). Cytogenetic location: 5q22.2.
Variant type: single nucleotide variant.
Coding change: c.4682A>G on transcript NM_000038.6 (MANE Select); coding-DNA position 4682, A replaced by G.
Protein change: p.Lys1561Arg; replaces lysine 1561 with arginine.
Molecular consequence: missense variant.
Genome position (GRCh38, 1-based): chr5:112,840,276, A>G. VCF-style: chr5-112840276-A-G. GRCh37 (hg19) VCF-style: chr5-112175973-A-G.
Other names: c.4682A>G, p.Lys1561Arg (NM_001127510.3, NM_001354895.2); c.4628A>G, p.Lys1543Arg (NM_001127511.3); c.4736A>G, p.Lys1579Arg (NM_001354896.2); c.4712A>G, p.Lys1571Arg (NM_001354897.2); c.4607A>G, p.Lys1536Arg (NM_001354898.2); c.4598A>G, p.Lys1533Arg (NM_001354899.2); c.4559A>G, p.Lys1520Arg (NM_001354900.2); c.4505A>G, p.Lys1502Arg (NM_001354901.2); and 5 more; short protein forms K1533R, K1561R, K1571R, K1278R, K1520R, K1536R, K1401R, K1435R.
Identifiers: ClinVar variation 849229 (VCV000849229.11), dbSNP rs1765740798, ClinGen allele CA16031596.

ClinVar aggregate classification (germline): Uncertain significance (1 of 4 stars; one submission).

Conditions:
Familial adenomatous polyposis 1 (FAP1). Also called: FAMILIAL ADENOMATOUS POLYPOSIS 1, ATTENUATED; POLYPOSIS, ADENOMATOUS INTESTINAL. Identifiers: MedGen C2713442, MONDO:0021056, OMIM 175100. Disease mechanism: loss of function.

Submission:

Labcorp Genetics (formerly Invitae), Labcorp
Classification: Uncertain significance for Familial adenomatous polyposis 1. Last evaluated: 2024-09-10. Review status: criteria provided, single submitter. Criteria: Invitae Variant Classification Sherloc (09022015). Collection method: clinical testing. Allele origin: germline.
Comment: This sequence change replaces lysine, which is basic and polar, with arginine, which is basic and polar, at codon 1561 of the APC protein (p.Lys1561Arg). This variant is not present in population databases (gnomAD no frequency). This variant has not been reported in the literature in individuals affected with APC-related conditions. ClinVar contains an entry for this variant (Variation ID: 849229). Invitae Evidence Modeling of protein sequence and biophysical properties (such as structural, functional, and spatial information, amino acid conservation, physicochemical variation, residue mobility, and thermodynamic stability) indicates that this missense variant is not expected to disrupt APC protein function with a negative predictive value of 95%. In summary, the available evidence is currently insufficient to determine the role of this variant in disease. Therefore, it has been classified as a Variant of Uncertain Significance.